The following is an entry in ClinVar:

ClinVar aggregate classification (germline): Uncertain significance. Review status: criteria provided, multiple submitters, no conflicts (2 of 4 stars). 2 submissions from 2 submitters: Uncertain significance (2). Last evaluated 2024-12-05.

Conditions:
Syndromic multisystem autoimmune disease due to ITCH deficiency. Also called: AUTOIMMUNE DISEASE, MULTISYSTEM, WITH FACIAL DYSMORPHISM. Identifiers: Orphanet 228426, MedGen C3150649, MONDO:0013245, OMIM 613385.
Inborn genetic diseases. Identifiers: MedGen C0950123, MeSH D030342.

Allele frequency attached by ClinVar (database versions not stated): ExAC 0.00001; gnomAD 0.00002; gnomAD exomes 0.00002; TOPMed 0.00003.

Submissions (2):

Ambry Genetics
Classification: Uncertain significance for Inborn genetic diseases. Last evaluated: 2024-12-05. Review status: criteria provided, single submitter. Criteria: Ambry Variant Classification Scheme 2023. Collection method: clinical testing. Allele origin: germline.

Labcorp Genetics (formerly Invitae), Labcorp
Classification: Uncertain significance for Syndromic multisystem autoimmune disease due to ITCH deficiency. Last evaluated: 2021-12-09. Review status: criteria provided, single submitter. Criteria: Invitae Variant Classification Sherloc (09022015). Collection method: clinical testing. Allele origin: germline.
Comment: This sequence change replaces arginine, which is basic and polar, with histidine, which is basic and polar, at codon 82 of the ITCH protein (p.Arg82His). This variant is present in population databases (rs767950508, gnomAD 0.02%). This variant has not been reported in the literature in individuals affected with ITCH-related conditions. ClinVar contains an entry for this variant (Variation ID: 861360). Algorithms developed to predict the effect of missense changes on protein structure and function are either unavailable or do not agree on the potential impact of this missense change (SIFT: "Not Available"; PolyPhen-2: "Probably Damaging"; Align-GVGD: "Not Available"). In summary, the available evidence is currently insufficient to determine the role of this variant in disease. Therefore, it has been classified as a Variant of Uncertain Significance.

NM_031483.7(ITCH):c.245G>A (p.Arg82His)

Gene: ITCH (itchy E3 ubiquitin protein ligase; plus strand). Cytogenetic location: 20q11.22.
Variant type: single nucleotide variant.
Coding change: c.245G>A on transcript NM_031483.7 (MANE Select); coding-DNA position 245, G replaced by A.
Protein change: p.Arg82His; replaces arginine 82 with histidine.
Molecular consequence: missense variant. On other transcripts: 5 prime UTR variant (1).
Genome position (GRCh38, 1-based): chr20:34,412,547, G>A. VCF-style: chr20-34412547-G-A. GRCh37 (hg19) VCF-style: chr20-33000353-G-A.
Other names: c.245G>A, p.Arg82His (NM_001257137.3, NM_001324197.2, NM_001324198.2); c.-86G>A (NM_001257138.3); c.245G>A (NM_031483.4); short protein forms R82H.
Identifiers: ClinVar variation 861360 (VCV000861360.6), dbSNP rs767950508, ClinGen allele CA9821277.